The following is an entry in ClinVar:

ClinVar aggregate classification (germline): Uncertain significance (1 of 4 stars; one submission).

Conditions:
Rhabdoid tumor predisposition syndrome 2 (RTPS2). Identifiers: Orphanet 231108, Orphanet 69077, MedGen C2750074, MONDO:0013224, OMIM 613325.

Submission:

Labcorp Genetics (formerly Invitae), Labcorp
Classification: Uncertain significance for Rhabdoid tumor predisposition syndrome 2. Last evaluated: 2021-01-26. Review status: criteria provided, single submitter. Criteria: Invitae Variant Classification Sherloc (09022015). Collection method: clinical testing. Allele origin: germline.
Comment: In summary, the available evidence is currently insufficient to determine the role of this variant in disease. Therefore, it has been classified as a Variant of Uncertain Significance. Algorithms developed to predict the effect of missense changes on protein structure and function do not agree on the potential impact of this missense change (SIFT: "Deleterious"; PolyPhen-2: "Possibly Damaging"; Align-GVGD: "Class C0"). This variant has not been reported in the literature in individuals with SMARCA4-related disease. This variant is not present in population databases (ExAC no frequency). This sequence change replaces valine with leucine at codon 810 of the SMARCA4 protein (p.Val810Leu). The valine residue is highly conserved and there is a small physicochemical difference between valine and leucine.

NM_003072.5(SMARCA4):c.2428G>T (p.Val810Leu)

Gene: SMARCA4 (SWI/SNF related BAF chromatin remodeling complex subunit ATPase 4; plus strand). Cytogenetic location: 19p13.2.
Variant type: single nucleotide variant.
Coding change: c.2428G>T on transcript NM_003072.5 (MANE Select); coding-DNA position 2428, G replaced by T.
Protein change: p.Val810Leu; replaces valine 810 with leucine.
Molecular consequence: missense variant. On other transcripts: non-coding transcript variant (1).
Genome position (GRCh38, 1-based): chr19:11,013,102, G>T. VCF-style: chr19-11013102-G-T. GRCh37 (hg19) VCF-style: chr19-11123778-G-T.
Other names: c.2428G>T, p.Val810Leu (NM_001128844.3, NM_001128845.2, NM_001128846.2 and 5 more transcripts); short protein forms V810L.
Identifiers: ClinVar variation 1036473 (VCV001036473.8), dbSNP rs1060502056, ClinGen allele CA404053347.